The following is an entry in ClinVar:

ClinVar aggregate classification (germline): Uncertain significance (0 of 4 stars; one submission).

Conditions:
GNE-related disorder. Also called: GNE-related condition.

Submission:

PreventionGenetics, part of Exact Sciences
Classification: Uncertain significance for GNE-related condition. Last evaluated: 2024-08-26. Review status: no assertion criteria provided. Collection method: clinical testing. Allele origin: germline.
Comment: The GNE c.2044C>G variant is predicted to result in the amino acid substitution p.Leu682Val. To our knowledge, this variant has not been reported in the literature or in a large population database, indicating this variant is rare. At this time, the clinical significance of this variant is uncertain due to the absence of conclusive functional and genetic evidence.

NM_005476.7(GNE):c.1951C>G (p.Leu651Val)

Gene: GNE (glucosamine (UDP-N-acetyl)-2-epimerase/N-acetylmannosamine kinase; minus strand). Cytogenetic location: 9p13.3.
Variant type: single nucleotide variant.
Coding change: c.1951C>G on transcript NM_005476.7 (MANE Select); coding-DNA position 1951, C replaced by G.
Protein change: p.Leu651Val; replaces leucine 651 with valine.
Molecular consequence: missense variant.
Genome position (GRCh38, 1-based): chr9:36,217,583, G>C on the plus strand (C>G on the coding strand, the complement: GNE is on the minus strand). VCF-style: chr9-36217583-G-C. GRCh37 (hg19) VCF-style: chr9-36217580-G-C.
Other names: c.2044C>G, p.Leu682Val (NM_001128227.3); c.1729C>G, p.Leu577Val (NM_001190383.3); c.1621C>G, p.Leu541Val (NM_001190384.3); c.1774C>G, p.Leu592Val (NM_001190388.2, NM_001374798.1); c.1798C>G, p.Leu600Val (NM_001374797.1); short protein forms L541V, L577V, L592V, L600V, L651V, L682V.
Identifiers: ClinVar variation 3345976 (VCV003345976.1).